The following is an entry in ClinVar:

NM_001375524.1(TRRAP):c.8806G>A (p.Val2936Met)

Gene: TRRAP (transformation/transcription domain associated protein; plus strand). Cytogenetic location: 7q22.1.
Variant type: single nucleotide variant.
Coding change: c.8806G>A on transcript NM_001375524.1 (MANE Select); coding-DNA position 8806, G replaced by A.
Protein change: p.Val2936Met; replaces valine 2936 with methionine.
Molecular consequence: missense variant.
Genome position (GRCh38, 1-based): chr7:98,981,940, G>A. VCF-style: chr7-98981940-G-A. GRCh37 (hg19) VCF-style: chr7-98579563-G-A.
Other names: c.8785G>A, p.Val2929Met (NM_001244580.2); c.8731G>A, p.Val2911Met (NM_003496.4); short protein forms V2911M, V2929M, V2936M.
Identifiers: ClinVar variation 2513365 (VCV002513365.5), dbSNP rs149883592, ClinGen allele CA4361540.

ClinVar aggregate classification (germline): Conflicting classifications of pathogenicity. Review status: criteria provided, conflicting classifications (1 of 4 stars). 2 submissions from 2 submitters: Uncertain significance (1); Likely benign (1). Last evaluated 2026-01-28.

Conditions:
Inborn genetic diseases. Identifiers: MedGen C0950123, MeSH D030342.

Allele frequency attached by ClinVar (database versions not stated): ESP Exome Variant Server 0.00008; ExAC 0.00001; gnomAD 0.00008; TOPMed 0.00009.
gnomAD v4.1: 273 of 1,602,466 alleles (0.017%); highest among the groups gnomAD compares: Non-Finnish European, 0.021%; no homozygotes.

Submissions (2):

Labcorp Genetics (formerly Invitae), Labcorp
Classification: Uncertain significance. Last evaluated: 2026-01-28. Review status: criteria provided, single submitter. Criteria: Invitae Variant Classification Sherloc (09022015). Collection method: clinical testing. Allele origin: germline.
Comment: This sequence change replaces valine, which is neutral and non-polar, with methionine, which is neutral and non-polar, at codon 2911 of the TRRAP protein (p.Val2911Met). This variant is present in population databases (rs149883592, gnomAD 0.01%). This variant has not been reported in the literature in individuals affected with TRRAP-related conditions. ClinVar contains an entry for this variant (Variation ID: 2513365). Invitae Evidence Modeling of protein sequence and biophysical properties (such as structural, functional, and spatial information, amino acid conservation, physicochemical variation, residue mobility, and thermodynamic stability) indicates that this missense variant is not expected to disrupt TRRAP protein function with a negative predictive value of 80%. In summary, the available evidence is currently insufficient to determine the role of this variant in disease. Therefore, it has been classified as a Variant of Uncertain Significance.

Ambry Genetics
Classification: Likely benign for Inborn genetic diseases. Last evaluated: 2023-06-07. Review status: criteria provided, single submitter. Criteria: Ambry Variant Classification Scheme 2023. Collection method: clinical testing. Allele origin: germline.